The following is an entry in ClinVar:

ClinVar aggregate classification (germline): Pathogenic/Likely pathogenic. Review status: criteria provided, multiple submitters, no conflicts (2 of 4 stars). 2 submissions from 2 submitters: Pathogenic (1); Likely pathogenic (1). Last evaluated 2025-07-15.

Conditions:
PKD1-related disorder. Also called: PKD1-related condition.
Polycystic kidney disease, adult type (PKD1). Also called: Polycystic Kidney Disease 1, Autosomal Dominant; Polycystic kidney disease 1; Polycystic kidney disease 1, severe; Polycystic Kidney, Autosomal Dominant; POLYCYSTIC KIDNEY DISEASE, ADULT, TYPE I; POLYCYSTIC KIDNEY DISEASE 1 WITH OR WITHOUT POLYCYSTIC LIVER DISEASE. Identifiers: MedGen C3149841, MONDO:0008263, OMIM 173900.

Submissions (2):

PreventionGenetics, part of Exact Sciences
Classification: Likely pathogenic for PKD1-related condition. Last evaluated: 2025-07-15. Review status: criteria provided, single submitter. Criteria: ACMG Guidelines, 2015. Collection method: clinical testing. Allele origin: germline.
Comment: The PKD1 c.4390G>T variant is predicted to result in premature protein termination (p.Glu1464*). To our knowledge, this variant has not been reported in a large population database (gnomAD), indicating this variant is rare. Nonsense variants in PKD1 are expected to be pathogenic. This variant is interpreted as likely pathogenic.

Fulgent Genetics
Classification: Pathogenic for Polycystic kidney disease, adult type. Last evaluated: 2024-01-10. Review status: criteria provided, single submitter. Criteria: ACMG Guidelines, 2015. Collection method: clinical testing. Allele origin: germline.

NM_001009944.3(PKD1):c.4390G>T (p.Glu1464Ter)

Gene: PKD1 (polycystin 1, transient receptor potential channel interacting; minus strand). Cytogenetic location: 16p13.3.
Variant type: single nucleotide variant.
Coding change: c.4390G>T on transcript NM_001009944.3 (MANE Select); coding-DNA position 4390, G replaced by T.
Protein change: p.Glu1464Ter; replaces glutamic acid 1464 with a stop codon.
Molecular consequence: nonsense.
Genome position (GRCh38, 1-based): chr16:2,110,777, C>A on the plus strand (G>T on the coding strand, the complement: PKD1 is on the minus strand). VCF-style: chr16-2110777-C-A. GRCh37 (hg19) VCF-style: chr16-2160778-C-A.
Other names: c.4390G>T, p.Glu1464Ter (NM_000296.4); short protein forms E1464*.
Identifiers: ClinVar variation 3579526 (VCV003579526.2).